The following is an entry in ClinVar:

NM_020549.5(CHAT):c.841C>T (p.Arg281Trp)

Gene: CHAT (choline O-acetyltransferase; plus strand). Cytogenetic location: 10q11.23.
Variant type: single nucleotide variant.
Coding change: c.841C>T on transcript NM_020549.5 (MANE Select); coding-DNA position 841, C replaced by T.
Protein change: p.Arg281Trp; replaces arginine 281 with tryptophan.
Molecular consequence: missense variant.
Genome position (GRCh38, 1-based): chr10:49,625,561, C>T. VCF-style: chr10-49625561-C-T. GRCh37 (hg19) VCF-style: chr10-50833607-C-T.
Other names: c.487C>T, p.Arg163Trp (NM_001142929.2, NM_001142934.2, NM_020984.4 and 2 more transcripts); c.595C>T, p.Arg199Trp (NM_001142933.2); short protein forms R163W, R199W, R281W.
Identifiers: ClinVar variation 1370459 (VCV001370459.7), dbSNP rs747108035, ClinGen allele CA5497281.
Genomic context (GRCh38, chr10:49,625,561, plus strand): 5'-GGCCAGCTGTCAGGGCAGCCCCTTTGCATGAAGCAATACTATGGGCTCTTCTCCTCCTAC[C>T]GGCTCCCCGGCCATACCCAGGACACGCTGGTGGCTCAGAACAGCAGCATCATGCCGGAGC-3'
Protein context (NP_065574.4, residues 271-291): KQYYGLFSSY[Arg281Trp]LPGHTQDTLV

ClinVar aggregate classification (germline): Likely pathogenic. Review status: criteria provided, multiple submitters, no conflicts (2 of 4 stars). 2 submissions from 2 submitters: Likely pathogenic (2). Last evaluated 2024-09-19.

Conditions:
Familial infantile myasthenia (CMS6). Also called: Congenital myasthenic syndrome type 6; MYASTHENIC SYNDROME, PRESYNAPTIC, CONGENITAL, ASSOCIATED WITH EPISODIC APNEA; MYASTHENIC SYNDROME, CONGENITAL, 6, PRESYNAPTIC. Identifiers: Orphanet 590, MedGen C0393929, MONDO:0009689, OMIM 254210.

Allele frequency attached by ClinVar (database versions not stated): gnomAD 0.00001; TOPMed 0.00001; ExAC 0.00002; gnomAD exomes 0.00002 and 0.00003.

Submissions (2):

Labcorp Genetics (formerly Invitae), Labcorp
Classification: Likely pathogenic for Familial infantile myasthenia. Last evaluated: 2024-09-19. Review status: criteria provided, single submitter. Criteria: Invitae Variant Classification Sherloc (09022015). Collection method: clinical testing. Allele origin: germline.
Comment: This sequence change replaces arginine, which is basic and polar, with tryptophan, which is neutral and slightly polar, at codon 281 of the CHAT protein (p.Arg281Trp). This variant is present in population databases (rs747108035, gnomAD 0.006%). This missense change has been observed in individual(s) with congenital myasthenic syndrome 6 (PMID: 34740919). It has also been observed to segregate with disease in related individuals. This variant is also known as p.Arg163Trp. ClinVar contains an entry for this variant (Variation ID: 1370459). Invitae Evidence Modeling of protein sequence and biophysical properties (such as structural, functional, and spatial information, amino acid conservation, physicochemical variation, residue mobility, and thermodynamic stability) indicates that this missense variant is expected to disrupt CHAT protein function with a positive predictive value of 95%. In summary, the currently available evidence indicates that the variant is pathogenic, but additional data are needed to prove that conclusively. Therefore, this variant has been classified as Likely Pathogenic.

Fulgent Genetics
Classification: Likely pathogenic for Familial infantile myasthenia. Last evaluated: 2024-03-12. Review status: criteria provided, single submitter. Criteria: ACMG Guidelines, 2015. Collection method: clinical testing. Allele origin: germline.

Literature cited by the submitters: PubMed 34740919 (cited by Labcorp Genetics (formerly Invitae), Labcorp).